The following is an entry in ClinVar:

ClinVar aggregate classification (germline): Uncertain significance (1 of 4 stars; one submission).

Submission:

Labcorp Genetics (formerly Invitae), Labcorp
Classification: Uncertain significance. Last evaluated: 2025-11-20. Review status: criteria provided, single submitter. Criteria: Invitae Variant Classification Sherloc (09022015). Collection method: clinical testing. Allele origin: germline.
Comment: This sequence change creates a premature translational stop signal (p.Val1045Argfs*4) in the DSG1 gene. While this is not anticipated to result in nonsense mediated decay, it is expected to disrupt the last 5 amino acid(s) of the DSG1 protein. This variant is not present in population databases (gnomAD no frequency). This variant has not been reported in the literature in individuals affected with DSG1-related conditions. Experimental studies and prediction algorithms are not available or were not evaluated, and the functional significance of this variant is currently unknown. In summary, the available evidence is currently insufficient to determine the role of this variant in disease. Therefore, it has been classified as a Variant of Uncertain Significance.

NM_001942.4(DSG1):c.3132dup (p.Val1045fs)

Genes: DSG1 (desmoglein 1; plus strand), DSG1-AS1 (DSG1 antisense RNA 1; minus strand). Cytogenetic location: 18q12.1.
Variant type: Duplication.
Coding change: c.3132dup on transcript NM_001942.4 (MANE Select); coding-DNA position 3132, one base duplicated (C; older notation c.3132dupC).
Protein change: p.Val1045fs; shifts the reading frame from valine 1045.
Molecular consequence: frameshift variant.
Genome position (GRCh38, 1-based): chr18:31,355,328, C duplicated; the last of 2 consecutive C bases (chr18:31,355,327-31,355,328); duplicating either gives the same sequence. VCF-style (leftmost placement, unchanged base first): chr18-31355326-A-AC. GRCh37 (hg19) VCF-style: chr18-28935289-A-AC.
Other names: short protein forms V1045fs.
Identifiers: ClinVar variation 4731214 (VCV004731214.1).